The following is an entry in ClinVar:

ClinVar aggregate classification (germline): Likely benign (1 of 4 stars; one submission).

Conditions:
Triglyceride storage disease with ichthyosis (CDS). Also called: Dorfman-Chanarin disease; ICHTHYOSIFORM ERYTHRODERMA WITH LEUKOCYTE VACUOLATION; TRIGLYCERIDE STORAGE DISEASE WITH IMPAIRED LONG-CHAIN FATTY ACID OXIDATION; Chanarin-Dorfman Syndrome. Identifiers: Orphanet 98907, MedGen C0268238, MONDO:0010155, OMIM 275630.

Allele frequency attached by ClinVar (database versions not stated): gnomAD 0.00026 and 0.00030; TOPMed 0.00039; 1000 Genomes Project 30x 0.00078; 1000 Genomes Project 0.00080.

Submission:

Illumina Laboratory Services, Illumina
Classification: Likely benign for Triglyceride storage disease with ichthyosis. Last evaluated: 2018-01-12. Review status: criteria provided, single submitter. Criteria: ICSL Variant Classification Criteria 13 December 2019. Collection method: clinical testing. Allele origin: germline.
Comment: This variant was observed in the ICSL laboratory as part of a predisposition screen in an ostensibly healthy population. It had not been previously curated by ICSL or reported in the Human Gene Mutation Database (HGMD: prior to June 1st, 2018), and was therefore a candidate for classification through an automated scoring system. Utilizing variant allele frequency, disease prevalence and penetrance estimates, and inheritance mode, an automated score was calculated to assess if this variant is too frequent to cause the disease. Based on the score and internal cut-off values, a variant classified as likely benign is not then subjected to further curation. The score for this variant resulted in a classification of likely benign for this disease.

NM_016006.6(ABHD5):c.*3372A>C

Gene: ABHD5 (abhydrolase domain containing 5, lysophosphatidic acid acyltransferase; plus strand). Cytogenetic location: 3p21.33.
Variant type: single nucleotide variant.
Coding change: c.*3372A>C on transcript NM_016006.6 (MANE Select); 3372 bases downstream of the stop codon, A replaced by C.
Molecular consequence: 3 prime UTR variant. On other transcripts: non-coding transcript variant (1), intron variant (1).
Genome position (GRCh38, 1-based): chr3:43,721,904, A>C. VCF-style: chr3-43721904-A-C. GRCh37 (hg19) VCF-style: chr3-43763396-A-C.
Other names: c.*3372A>C (NM_001365649.1); c.*3398A>C (NM_001365650.1); c.29+3343A>C (NM_001355186.2).
Identifiers: ClinVar variation 345275 (VCV000345275.5), dbSNP rs564535027, ClinGen allele CA10618836.
Genomic context (GRCh38, chr3:43,721,904, plus strand): 5'-ATGCAAATGGTCTTTAAACATACAAGGATATGCATAAAAAGACAAATGCAAAATAAAATA[A>C]AATAATGGAAATACCTTTCTTACCTGTGAGATTGGGGAAAATCCAAGTTAGGCAATGCAC-3'